The following is an entry in ClinVar:

NM_001378452.1(ITPR1):c.2851T>C (p.Phe951Leu)

Gene: ITPR1 (inositol 1,4,5-trisphosphate receptor type 1; plus strand). Cytogenetic location: 3p26.1.
Variant type: single nucleotide variant.
Coding change: c.2851T>C on transcript NM_001378452.1 (MANE Select); coding-DNA position 2851, T replaced by C.
Protein change: p.Phe951Leu; replaces phenylalanine 951 with leucine.
Molecular consequence: missense variant.
Genome position (GRCh38, 1-based): chr3:4,676,685, T>C. VCF-style: chr3-4676685-T-C. GRCh37 (hg19) VCF-style: chr3-4718369-T-C.
Other names: c.2824T>C, p.Phe942Leu (NM_001099952.4); c.2806T>C, p.Phe936Leu (NM_001168272.2); c.2779T>C, p.Phe927Leu (NM_002222.7); short protein forms F927L, F936L, F942L, F951L.
Identifiers: ClinVar variation 3391241 (VCV003391241.1).
Genomic context (GRCh38, chr3:4,676,685, plus strand): 5'-ATGAGATCTATTCATGGCGTGGGAGAGCTGATGACCCAGGTGGTGCTCCGGGGAGGAGGC[T>C]TTTTGCCCATGACTCCCATGGCTGCTGCCCCTGAAGGCAATGTGAAGCAGGCAGAGCCTG-3'
Protein context (NP_001365381.1, residues 941-961): MTQVVLRGGG[Phe951Leu]LPMTPMAAAP

ClinVar aggregate classification (germline): Uncertain significance (1 of 4 stars; one submission).

Conditions:
Spinocerebellar ataxia type 15/16 (SCA15). Also called: Spinocerebellar Ataxia Type 15. Identifiers: Orphanet 98769, MedGen C1847725, MONDO:0011694, OMIM 606658.

gnomAD v4.1: 1 of 1,613,644 alleles (0.000062%); highest among the groups gnomAD compares: South Asian, 0.0011%; no homozygotes.

Submission:

Neuberg Centre For Genomic Medicine, NCGM
Classification: Uncertain significance for Spinocerebellar ataxia type 15/16. Last evaluated: 2023-07-22. Review status: criteria provided, single submitter. Criteria: ACMG Guidelines, 2015. Collection method: clinical testing. Allele origin: germline. Inheritance: Autosomal dominant inheritance. Affected: yes.
Comment: The missense c.2851T>C p.Phe951Leu variant in the ITPR1 gene has not been reported previously as a pathogenic variant nor as a benign variant, to our knowledge. This variant is absent in the gnomAD Exomes. The amino acid Phenylalanine at position 951 is changed to a Leucine changing protein sequence and it might alter its composition and physico-chemical properties. Computational evidence Polyphen - Benign, SIFT - Tolerated and MutationTaster - Disease causing predicts conflicting evidence on protein structure and function for this variant. The amino acid change Phenylalanine in ITPR1 is predicted as conserved by GERP++ and PhyloP across 100 vertebrates. For these reasons, this variant has been classified as Uncertain Significance.